The following is an entry in ClinVar:

ClinVar aggregate classification (germline): Uncertain significance (1 of 4 stars; one submission).

Conditions:
Arrhythmogenic right ventricular dysplasia 5. Also called: ARRHYTHMOGENIC RIGHT VENTRICULAR DYSPLASIA, FAMILIAL, 5; Arrhythmogenic Right Ventricular Dysplasia/Cardiomyopathy 5. Identifiers: MedGen C1858379, MONDO:0011459, OMIM 604400.

Submission:

Labcorp Genetics (formerly Invitae), Labcorp
Classification: Uncertain significance for Arrhythmogenic right ventricular dysplasia 5. Last evaluated: 2021-09-29. Review status: criteria provided, single submitter. Criteria: Invitae Variant Classification Sherloc (09022015). Collection method: clinical testing. Allele origin: germline.
Comment: In summary, the available evidence is currently insufficient to determine the role of this variant in disease. Therefore, it has been classified as a Variant of Uncertain Significance. Algorithms developed to predict the effect of missense changes on protein structure and function (SIFT, PolyPhen-2, Align-GVGD) all suggest that this variant is likely to be tolerated. This variant has not been reported in the literature in individuals affected with TMEM43-related conditions. This variant is not present in population databases (ExAC no frequency). This sequence change replaces alanine with serine at codon 42 of the TMEM43 protein (p.Ala42Ser). The alanine residue is weakly conserved and there is a moderate physicochemical difference between alanine and serine.

NM_024334.3(TMEM43):c.124G>T (p.Ala42Ser)

Gene: TMEM43 (transmembrane protein 43; plus strand). Cytogenetic location: 3p25.1.
Variant type: single nucleotide variant.
Coding change: c.124G>T on transcript NM_024334.3 (MANE Select); coding-DNA position 124, G replaced by T.
Protein change: p.Ala42Ser; replaces alanine 42 with serine.
Molecular consequence: missense variant.
Genome position (GRCh38, 1-based): chr3:14,129,523, G>T. VCF-style: chr3-14129523-G-T. GRCh37 (hg19) VCF-style: chr3-14171023-G-T.
Other names: short protein forms A42S.
Identifiers: ClinVar variation 1383831 (VCV001383831.6), dbSNP rs2124985701, ClinGen allele CA351534386.
Genomic context (GRCh38, chr3:14,129,523, plus strand): 5'-CAGCCAGGCTTCCTGGAACGGCTGAGCGAGACCTCGGGTGGGATGTTTGTGGGGCTCATG[G>T]CCTTCCTGCTCTCCTTCTACCTAATTTTCACCAATGAGGTAAAATGTCTGGGGTCTTCCT-3'
Protein context (NP_077310.1, residues 32-52): TSGGMFVGLM[Ala42Ser]FLLSFYLIFT